The following is an entry in ClinVar:

NM_006231.4(POLE):c.1525G>C (p.Ala509Pro)

Gene: POLE (DNA polymerase epsilon, catalytic subunit; minus strand). Cytogenetic location: 12q24.33.
Variant type: single nucleotide variant.
Coding change: c.1525G>C on transcript NM_006231.4 (MANE Select); coding-DNA position 1525, G replaced by C.
Protein change: p.Ala509Pro; replaces alanine 509 with proline.
Molecular consequence: missense variant.
Genome position (GRCh38, 1-based): chr12:132,672,788, C>G on the plus strand (G>C on the coding strand, the complement: POLE is on the minus strand). VCF-style: chr12-132672788-C-G. GRCh37 (hg19) VCF-style: chr12-133249374-C-G.
Other names: short protein forms A509P.
Identifiers: ClinVar variation 4141228 (VCV004141228.1).

ClinVar aggregate classification (germline): Uncertain significance (1 of 4 stars; one submission).

Conditions:
Hereditary cancer-predisposing syndrome. Also called: Hereditary neoplastic syndrome; Neoplastic Syndromes, Hereditary; Tumor predisposition; Hereditary Cancer Syndrome. Identifiers: Orphanet 140162, MedGen C0027672, MeSH D009386, MONDO:0015356.

Submission:

Ambry Genetics
Classification: Uncertain significance for Hereditary cancer-predisposing syndrome. Last evaluated: 2025-08-25. Review status: criteria provided, single submitter. Criteria: Ambry Variant Classification Scheme 2023. Collection method: clinical testing. Allele origin: germline.
Comment: The p.A509P variant (also known as c.1525G>C), located in coding exon 15 of the POLE gene, results from a G to C substitution at nucleotide position 1525. The alanine at codon 509 is replaced by proline, an amino acid with highly similar properties. This amino acid position is conserved. In addition, the in silico prediction for this alteration is inconclusive. Based on the available evidence, the clinical significance of this variant remains unclear.